The following is an entry in ClinVar:

ClinVar aggregate classification (germline): Likely pathogenic (1 of 4 stars; one submission).

Allele frequency attached by ClinVar (database versions not stated): gnomAD exomes below 0.00001; TOPMed below 0.00001; ESP Exome Variant Server 0.00008.

Submission:

GeneDx
Classification: Likely pathogenic. Last evaluated: 2024-12-05. Review status: criteria provided, single submitter. Criteria: GeneDx Variant Classification Process June 2021. Collection method: clinical testing. Allele origin: germline. Affected: yes.
Comment: Canonical splice site variant in a gene for which loss-of-function is a known mechanism of disease; Not observed at a significant frequency in large population cohorts (gnomAD); Has not been previously published as pathogenic or benign to our knowledge

NM_001170535.3(ATAD3A):c.281_282+1del

Gene: ATAD3A (ATPase family AAA domain containing 3A; plus strand). Cytogenetic location: 1p36.33.
Variant type: Deletion.
Coding change: c.281_282+1del on transcript NM_001170535.3 (MANE Select); coding-DNA position 281 through the canonical splice donor site of the intron after coding-DNA position 282, 3 bases deleted (AAG; older notation c.281_282+1delAAG).
Molecular consequence: splice donor variant.
Genome position (GRCh38, 1-based): chr1:1,516,087-1,516,089, AAG deleted. VCF-style (leftmost placement, unchanged base first): chr1-1516086-AAAG-A. GRCh37 (hg19) VCF-style: chr1-1451466-AAAG-A.
Other names: c.281_282+1del (NM_018188.5); c.44_45+1del (NM_001170536.3).
Identifiers: ClinVar variation 1196697 (VCV001196697.3), dbSNP rs1212229540, ClinGen allele CA415385646.